The following is an entry in ClinVar:

ClinVar aggregate classification (germline): Pathogenic (1 of 4 stars; one submission).

Allele frequency attached by ClinVar (database versions not stated): TOPMed below 0.00001.

Submission:

Labcorp Genetics (formerly Invitae), Labcorp
Classification: Pathogenic. Last evaluated: 2022-08-01. Review status: criteria provided, single submitter. Criteria: Invitae Variant Classification Sherloc (09022015). Collection method: clinical testing. Allele origin: germline.
Comment: For these reasons, this variant has been classified as Pathogenic. This variant has not been reported in the literature in individuals affected with LAMA1-related conditions. This variant is not present in population databases (gnomAD no frequency). This sequence change creates a premature translational stop signal (p.Trp1294*) in the LAMA1 gene. It is expected to result in an absent or disrupted protein product. Loss-of-function variants in LAMA1 are known to be pathogenic (PMID: 25105227, 26932191).

Literature cited by the submitters: PubMed 25105227; PubMed 26932191.

NM_005559.4(LAMA1):c.3881G>A (p.Trp1294Ter)

Gene: LAMA1 (laminin subunit alpha 1; minus strand). Cytogenetic location: 18p11.31.
Variant type: single nucleotide variant.
Coding change: c.3881G>A on transcript NM_005559.4 (MANE Select); coding-DNA position 3881, G replaced by A.
Protein change: p.Trp1294Ter; replaces tryptophan 1294 with a stop codon.
Molecular consequence: nonsense.
Genome position (GRCh38, 1-based): chr18:7,009,359, C>T on the plus strand (G>A on the coding strand, the complement: LAMA1 is on the minus strand). VCF-style: chr18-7009359-C-T. GRCh37 (hg19) VCF-style: chr18-7009358-C-T.
Other names: short protein forms W1294*.
Identifiers: ClinVar variation 2092320 (VCV002092320.4), dbSNP rs2057848462, ClinGen allele CA401848093.
Genomic context (GRCh38, chr18:7,009,359, plus strand): 5'-AGGACAGACATAAAATCCTCTCGCGTGACAGGTTTTTCAGAAACAGAGTTAAAATATTTC[C>T]AAAAATTCTGTAGAATGAGAAACACATTCAATTAAGCTCAGAGGCCAAATTCTGACAGGC-3'